The following is an entry in ClinVar:

ClinVar aggregate classification (germline): Uncertain significance (1 of 4 stars; one submission).

gnomAD v4.1: 1 of 1,584,782 alleles (0.000063%); highest among the groups gnomAD compares: East Asian, 0.0023%; no homozygotes.

Submission:

Labcorp Genetics (formerly Invitae), Labcorp
Classification: Uncertain significance. Last evaluated: 2019-12-06. Review status: criteria provided, single submitter. Criteria: Invitae Variant Classification Sherloc (09022015). Collection method: clinical testing. Allele origin: germline.
Comment: This variant has not been reported in the literature in individuals with TUBGCP6-related conditions. In summary, the available evidence is currently insufficient to determine the role of this variant in disease. Therefore, it has been classified as a Variant of Uncertain Significance. Algorithms developed to predict the effect of missense changes on protein structure and function are either unavailable or do not agree on the potential impact of this missense change (SIFT: "Tolerated"; PolyPhen-2: "Possibly Damaging"; Align-GVGD: "Class C0"). This variant is not present in population databases (ExAC no frequency). This sequence change replaces alanine with proline at codon 939 of the TUBGCP6 protein (p.Ala939Pro). The alanine residue is weakly conserved and there is a small physicochemical difference between alanine and proline.

NM_020461.4(TUBGCP6):c.2815G>C (p.Ala939Pro)

Gene: TUBGCP6 (tubulin gamma complex component 6; minus strand). Cytogenetic location: 22q13.33.
Variant type: single nucleotide variant.
Coding change: c.2815G>C on transcript NM_020461.4 (MANE Select); coding-DNA position 2815, G replaced by C.
Protein change: p.Ala939Pro; replaces alanine 939 with proline.
Molecular consequence: missense variant.
Genome position (GRCh38, 1-based): chr22:50,221,544, C>G on the plus strand (G>C on the coding strand, the complement: TUBGCP6 is on the minus strand). VCF-style: chr22-50221544-C-G. GRCh37 (hg19) VCF-style: chr22-50659973-C-G.
Other names: short protein forms A939P.
Identifiers: ClinVar variation 850832 (VCV000850832.7), dbSNP rs773849188, ClinGen allele CA412186668.